The following is an entry in ClinVar:

ClinVar aggregate classification (germline): Uncertain significance. Review status: criteria provided, multiple submitters, no conflicts (2 of 4 stars). 2 submissions from 2 submitters: Uncertain significance (2). Last evaluated 2024-10-07.

Conditions:
Hypertrophic cardiomyopathy. Also called: HYPERTROPHIC MYOCARDIOPATHY. Identifiers: Orphanet 217569, MedGen C0007194, MeSH D002312, MONDO:0005045, HP:0001639.

Submissions (2):

Labcorp Genetics (formerly Invitae), Labcorp
Classification: Uncertain significance for Hypertrophic cardiomyopathy. Last evaluated: 2024-10-07. Review status: criteria provided, single submitter. Criteria: Invitae Variant Classification Sherloc (09022015). Collection method: clinical testing. Allele origin: germline.
Comment: This sequence change replaces arginine, which is basic and polar, with proline, which is neutral and non-polar, at codon 1205 of the MYBPC3 protein (p.Arg1205Pro). This variant is not present in population databases (gnomAD no frequency). This missense change has been observed in individual(s) with hypertrophic cardiomyopathy (PMID: 27532257, 37652022; internal data). ClinVar contains an entry for this variant (Variation ID: 1300674). An algorithm developed to predict the effect of missense changes on protein structure and function (PolyPhen-2) suggests that this variant is likely to be disruptive. In summary, the available evidence is currently insufficient to determine the role of this variant in disease. Therefore, it has been classified as a Variant of Uncertain Significance.

GeneDx
Classification: Uncertain significance. Last evaluated: 2021-04-16. Review status: criteria provided, single submitter. Criteria: GeneDx Variant Classification Process June 2021. Collection method: clinical testing. Allele origin: germline. Affected: yes.
Comment: Reported in a patient with HCM in the published literature (Walsh et al., 2017); Not observed in large population cohorts (Lek et al., 2016); In silico analysis supports that this missense variant has a deleterious effect on protein structure/function; This variant is associated with the following publications: (PMID: 27532257)

Literature cited by the submitters: PubMed 27532257 (cited by Labcorp Genetics (formerly Invitae), Labcorp); PubMed 37652022 (cited by Labcorp Genetics (formerly Invitae), Labcorp).

NM_000256.3(MYBPC3):c.3614G>C (p.Arg1205Pro)

Gene: MYBPC3 (myosin binding protein C3; minus strand). Cytogenetic location: 11p11.2.
Variant type: single nucleotide variant.
Coding change: c.3614G>C on transcript NM_000256.3 (MANE Select); coding-DNA position 3614, G replaced by C.
Protein change: p.Arg1205Pro; replaces arginine 1205 with proline.
Molecular consequence: missense variant.
Genome position (GRCh38, 1-based): chr11:47,332,579, C>G on the plus strand (G>C on the coding strand, the complement: MYBPC3 is on the minus strand). VCF-style: chr11-47332579-C-G. GRCh37 (hg19) VCF-style: chr11-47354130-C-G.
Other names: short protein forms R1205P.
Identifiers: ClinVar variation 1300674 (VCV001300674.6), dbSNP rs730880596, ClinGen allele CA380312247.